The following is an entry in ClinVar:

NM_021961.6(TEAD1):c.32G>A (p.Ser11Asn)

Gene: TEAD1 (TEA domain transcription factor 1; plus strand). Cytogenetic location: 11p15.3.
Variant type: single nucleotide variant.
Coding change: c.32G>A on transcript NM_021961.6 (MANE Select); coding-DNA position 32, G replaced by A.
Protein change: p.Ser11Asn; replaces serine 11 with asparagine.
Molecular consequence: missense variant.
Genome position (GRCh38, 1-based): chr11:12,764,264, G>A. VCF-style: chr11-12764264-G-A. GRCh37 (hg19) VCF-style: chr11-12785811-G-A.
Other names: c.32G>A (NM_021961.5); short protein forms S11N.
Identifiers: ClinVar variation 2418435 (VCV002418435.7), dbSNP rs764531349, ClinGen allele CA379855458.

ClinVar aggregate classification (germline): Uncertain significance. Review status: criteria provided, multiple submitters, no conflicts (2 of 4 stars). 2 submissions from 2 submitters: Uncertain significance (2). Last evaluated 2025-10-23.

Conditions:
Inborn genetic diseases. Identifiers: MedGen C0950123, MeSH D030342.

Allele frequency attached by ClinVar (database versions not stated): TOPMed 0.00001; gnomAD 0.00002.
gnomAD v4.1: 4 of 1,614,014 alleles (0.00025%); highest among the groups gnomAD compares: Non-Finnish European, 0.00034%; no homozygotes.

Submissions (2):

Ambry Genetics
Classification: Uncertain significance for Inborn genetic diseases. Last evaluated: 2025-10-23. Review status: criteria provided, single submitter. Criteria: Ambry Variant Classification Scheme 2023. Collection method: clinical testing. Allele origin: germline.

Labcorp Genetics (formerly Invitae), Labcorp
Classification: Uncertain significance. Last evaluated: 2025-03-17. Review status: criteria provided, single submitter. Criteria: Invitae Variant Classification Sherloc (09022015). Collection method: clinical testing. Allele origin: germline.
Comment: This sequence change replaces serine, which is neutral and polar, with asparagine, which is neutral and polar, at codon 11 of the TEAD1 protein (p.Ser11Asn). This variant is not present in population databases (gnomAD no frequency). This variant has not been reported in the literature in individuals affected with TEAD1-related conditions. ClinVar contains an entry for this variant (Variation ID: 2418435). An algorithm developed to predict the effect of missense changes on protein structure and function (PolyPhen-2) suggests that this variant is likely to be tolerated. In summary, the available evidence is currently insufficient to determine the role of this variant in disease. Therefore, it has been classified as a Variant of Uncertain Significance.